The following is an entry in ClinVar:

NM_000038.6(APC):c.80T>C (p.Leu27Pro)

Gene: APC (APC regulator of Wnt signaling pathway; plus strand). Cytogenetic location: 5q22.2.
Variant type: single nucleotide variant.
Coding change: c.80T>C on transcript NM_000038.6 (MANE Select); coding-DNA position 80, T replaced by C.
Protein change: p.Leu27Pro; replaces leucine 27 with proline.
Molecular consequence: missense variant. On other transcripts: intron variant (11), 5 prime UTR variant (4), non-coding transcript variant (2).
Genome position (GRCh38, 1-based): chr5:112,754,970, T>C. VCF-style: chr5-112754970-T-C. GRCh37 (hg19) VCF-style: chr5-112090667-T-C.
Other names: c.61-11356T>C (NM_001354904.2, NM_001407451.1, NM_001354898.2); c.-42-11356T>C (NM_001354900.2, NM_001354901.2, NM_001354905.2 and 1 more transcripts); c.80T>C, p.Leu27Pro (NM_001127510.3, NM_001354895.2, NM_001354896.2 and 16 more transcripts); c.-956T>C (NM_001354906.2, NM_001407470.1, NM_001407471.1 and 1 more transcripts); c.166-11356T>C (NM_001407446.1, NM_001354897.2, NM_001354902.2 and 1 more transcripts); short protein forms L27P.
Identifiers: ClinVar variation 3411977 (VCV003411977.1).

ClinVar aggregate classification (germline): Uncertain significance (1 of 4 stars; one submission).

Conditions:
Hereditary cancer-predisposing syndrome. Also called: Neoplastic Syndromes, Hereditary; Tumor predisposition; Hereditary Cancer Syndrome; Hereditary neoplastic syndrome. Identifiers: Orphanet 140162, MedGen C0027672, MeSH D009386, MONDO:0015356.

Submission:

Ambry Genetics
Classification: Uncertain significance for Hereditary cancer-predisposing syndrome. Last evaluated: 2024-11-14. Review status: criteria provided, single submitter. Criteria: Ambry Variant Classification Scheme 2023. Collection method: clinical testing. Allele origin: germline.
Comment: The p.L27P variant (also known as c.80T>C), located in coding exon 1 of the APC gene, results from a T to C substitution at nucleotide position 80. The leucine at codon 27 is replaced by proline, an amino acid with similar properties. Missense alterations in APC are not a common cause of disease (Spier I et al. Genet Med. 2024 Feb;26(2):100992). This amino acid position is highly conserved in available vertebrate species. In addition, in silico predictors for this gene do not accurately predict pathogenicity. Based on the available evidence, the clinical significance of this variant remains unclear.